The following is an entry in ClinVar:

NM_002485.5(NBN):c.1516C>G (p.Gln506Glu)

Gene: NBN (nibrin; minus strand). Cytogenetic location: 8q21.3.
Variant type: single nucleotide variant.
Coding change: c.1516C>G on transcript NM_002485.5 (MANE Select); coding-DNA position 1516, C replaced by G.
Protein change: p.Gln506Glu; replaces glutamine 506 with glutamic acid.
Molecular consequence: missense variant.
Genome position (GRCh38, 1-based): chr8:89,953,573, G>C on the plus strand (C>G on the coding strand, the complement: NBN is on the minus strand). VCF-style: chr8-89953573-G-C. GRCh37 (hg19) VCF-style: chr8-90965801-G-C.
Other names: c.1270C>G, p.Gln424Glu (NM_001024688.3); short protein forms Q506E, Q424E.
Identifiers: ClinVar variation 230379 (VCV000230379.19), dbSNP rs876658535, ClinGen allele CA10578760.

ClinVar aggregate classification (germline): Uncertain significance. Review status: criteria provided, multiple submitters, no conflicts (2 of 4 stars). 4 submissions from 4 submitters: Uncertain significance (3). 1 of the submissions does not count toward it. Last evaluated 2025-08-12.

Conditions:
Hereditary cancer-predisposing syndrome. Also called: Hereditary Cancer Syndrome; Neoplastic Syndromes, Hereditary; Tumor predisposition; Hereditary neoplastic syndrome. Identifiers: Orphanet 140162, MedGen C0027672, MeSH D009386, MONDO:0015356.
Microcephaly, normal intelligence and immunodeficiency (NBS). Also called: BERLIN BREAKAGE SYNDROME; Ataxia telangiectasia variant V1; IMMUNODEFICIENCY, MICROCEPHALY, AND CHROMOSOMAL INSTABILITY; SEEMANOVA SYNDROME II; Nijmegen breakage syndrome; Microcephaly with normal intelligence immunodeficiency and lymphoreticular malignancies. Identifiers: Orphanet 647, MedGen C0398791, MONDO:0009623, OMIM 251260.
Malignant tumor of breast. Also called: Malignant breast neoplasm; Cancer breast. Identifiers: MedGen C0006142, MONDO:0007254. Disease mechanism: loss of function.

Allele frequency attached by ClinVar (database versions not stated): gnomAD exomes below 0.00001; TOPMed 0.00001.
gnomAD v4.1: 2 of 1,613,630 alleles (0.00012%); highest among the groups gnomAD compares: East Asian, 0.0022%; no homozygotes.

Submissions (4):

Ambry Genetics
Classification: Uncertain significance for Hereditary cancer-predisposing syndrome. Last evaluated: 2025-08-12. Review status: criteria provided, single submitter. Criteria: Ambry Variant Classification Scheme 2023. Collection method: clinical testing. Allele origin: germline.
Comment: The p.Q506E variant (also known as c.1516C>G), located in coding exon 11 of the NBN gene, results from a C to G substitution at nucleotide position 1516. The glutamine at codon 506 is replaced by glutamic acid, an amino acid with highly similar properties. This amino acid position is well conserved in available vertebrate species. In addition, this alteration is predicted to be tolerated by in silico analysis. Since supporting evidence is limited at this time, the clinical significance of this alteration remains unclear.

Labcorp Genetics (formerly Invitae), Labcorp
Classification: Uncertain significance for Microcephaly, normal intelligence and immunodeficiency. Last evaluated: 2024-11-04. Review status: criteria provided, single submitter. Criteria: Invitae Variant Classification Sherloc (09022015). Collection method: clinical testing. Allele origin: germline.
Comment: This sequence change replaces glutamine, which is neutral and polar, with glutamic acid, which is acidic and polar, at codon 506 of the NBN protein (p.Gln506Glu). This variant is not present in population databases (gnomAD no frequency). This variant has not been reported in the literature in individuals affected with NBN-related conditions. ClinVar contains an entry for this variant (Variation ID: 230379). An algorithm developed to predict the effect of missense changes on protein structure and function outputs the following: PolyPhen-2: "Benign". The glutamic acid amino acid residue is found in multiple mammalian species, which suggests that this missense change does not adversely affect protein function. In summary, the available evidence is currently insufficient to determine the role of this variant in disease. Therefore, it has been classified as a Variant of Uncertain Significance.

Genome-Nilou Lab
Classification: Uncertain significance for Microcephaly, normal intelligence and immunodeficiency. Last evaluated: 2021-11-07. Review status: criteria provided, single submitter. Criteria: ACMG Guidelines, 2015. Collection method: clinical testing. Allele origin: germline. Affected: no.

Department of Pathology and Laboratory Medicine, Sinai Health System
Classification: Uncertain significance for Malignant tumor of breast. Review status: no assertion criteria provided. Collection method: clinical testing. Allele origin: unknown. Affected: yes. Study: The Canadian Open Genetics Repository (COGR). Not counted in ClinVar's aggregate classification.
Comment: The NBN p.Gln506Glu variant was not identified in the literature nor was it identified in the dbSNP, Cosmic, LOVD 3.0, Zhejiang Colon Cancer Database, the 1000 Genomes Project, the NHLBI GO Exome Sequencing Project, the Exome Aggregation Consortium (August 8th 2016), or the Genome Aggregation Database (Feb 27, 2017). The variant was identified in ClinVar (as uncertain significance by Ambry Genetics and Invitae) and Clinvitae (2x). The p.Gln506 residue is not conserved in mammals and computational analyses (PolyPhen-2, SIFT, AlignGVGD, BLOSUM, MutationTaster) do not suggest a high likelihood the variant Glu impacts the protein; however, this information is not predictive enough to rule out pathogenicity. The variant occurs outside of the splicing consensus sequence and 1 of 5 in silico or computational prediction software programs (SpliceSiteFinder, MaxEntScan, NNSPLICE, GeneSplicer, HumanSpliceFinder) predict a greater than 10% difference in splicing; this is not very predictive of pathogenicity. In summary, based on the above information the clinical significance of this variant cannot be determined with certainty at this time. This variant is classified as a variant of uncertain significance.